The following is an entry in ClinVar:

ClinVar aggregate classification (germline): Uncertain significance (1 of 4 stars; one submission).

Conditions:
Hereditary cancer-predisposing syndrome. Also called: Tumor predisposition; Hereditary neoplastic syndrome; Neoplastic Syndromes, Hereditary; Hereditary Cancer Syndrome. Identifiers: Orphanet 140162, MedGen C0027672, MeSH D009386, MONDO:0015356.

Submission:

Ambry Genetics
Classification: Uncertain significance for Hereditary cancer-predisposing syndrome. Last evaluated: 2018-12-12. Review status: criteria provided, single submitter. Criteria: Ambry Variant Classification Scheme 2023. Collection method: clinical testing. Allele origin: germline.
Comment: The p.D39N variant (also known as c.115G>A), located in coding exon 1 of the DICER1 gene, results from a G to A substitution at nucleotide position 115. The aspartic acid at codon 39 is replaced by asparagine, an amino acid with highly similar properties. This amino acid position is highly conserved in available vertebrate species. In addition, this alteration is predicted to be tolerated by in silico analysis. Since supporting evidence is limited at this time, the clinical significance of this alteration remains unclear.

NM_177438.3(DICER1):c.115G>A (p.Asp39Asn)

Gene: DICER1 (dicer 1, ribonuclease III; minus strand). Cytogenetic location: 14q32.13.
Variant type: single nucleotide variant.
Coding change: c.115G>A on transcript NM_177438.3 (MANE Select); coding-DNA position 115, G replaced by A.
Protein change: p.Asp39Asn; replaces aspartic acid 39 with asparagine.
Molecular consequence: missense variant.
Genome position (GRCh38, 1-based): chr14:95,133,344, C>T on the plus strand (G>A on the coding strand, the complement: DICER1 is on the minus strand). VCF-style: chr14-95133344-C-T. GRCh37 (hg19) VCF-style: chr14-95599681-C-T.
Other names: c.115G>A, p.Asp39Asn (NM_001195573.1, NM_001271282.3, NM_001291628.2 and 1 more transcripts); short protein forms D39N.
Identifiers: ClinVar variation 818442 (VCV000818442.4), dbSNP rs1595468657, ClinGen allele CA390890438.